The following is an entry in ClinVar:

ClinVar aggregate classification (germline): Conflicting classifications of pathogenicity. Review status: criteria provided, conflicting classifications (1 of 4 stars). 2 submissions from 2 submitters: Uncertain significance (1); Likely benign (1). Last evaluated 2022-10-31.

Allele frequency attached by ClinVar (database versions not stated): gnomAD exomes below 0.00001 and 0.00001.
gnomAD v4.1: 1 of 1,167,928 alleles (0.000086%); highest among the groups gnomAD compares: Admixed American, 0.0026%; no homozygotes.

Submissions (2):

Labcorp Genetics (formerly Invitae), Labcorp
Classification: Likely benign. Last evaluated: 2022-10-31. Review status: criteria provided, single submitter. Criteria: Invitae Variant Classification Sherloc (09022015). Collection method: clinical testing. Allele origin: germline.

GeneDx
Classification: Uncertain significance. Last evaluated: 2017-03-02. Review status: criteria provided, single submitter. Criteria: GeneDx Variant Classification (06012015). Collection method: clinical testing. Allele origin: germline. Affected: yes.
Comment: The Q381P variant in the HUWE1 gene has not been reported previously as a pathogenic variant, nor as a benign variant, to our knowledge. The Q381P variant is not observed in large population cohorts (Lek et al., 2016; 1000 Genomes Consortium et al., 2015; Exome Variant Server). The Q381P variant is a non-conservative amino acid substitution, which is likely to impact secondary protein structure as these residues differ in polarity, charge, size and/or other properties. This substitution occurs at a position that is conserved across species. In silico analysis is inconsistent in its predictions as to whether or not the variant is damaging to the protein structure/function. We interpret Q381P as a variant of uncertain significance.

NM_031407.7(HUWE1):c.1142A>C (p.Gln381Pro)

Gene: HUWE1 (HECT, UBA and WWE domain containing E3 ubiquitin protein ligase 1; minus strand). Cytogenetic location: Xp11.22.
Variant type: single nucleotide variant.
Coding change: c.1142A>C on transcript NM_031407.7 (MANE Select); coding-DNA position 1142, A replaced by C.
Protein change: p.Gln381Pro; replaces glutamine 381 with proline.
Molecular consequence: missense variant.
Genome position (GRCh38, 1-based): chrX:53,628,593, T>G on the plus strand (A>C on the coding strand, the complement: HUWE1 is on the minus strand). VCF-style: chrX-53628593-T-G. GRCh37 (hg19) VCF-style: chrX-53655544-T-G.
Other names: short protein forms Q381P.
Identifiers: ClinVar variation 423905 (VCV000423905.7), dbSNP rs1012962799, ClinGen allele CA16621454.